The following is an entry in ClinVar:

NM_015102.5(NPHP4):c.3461A>G (p.His1154Arg)

Gene: NPHP4 (nephrocystin 4; minus strand). Cytogenetic location: 1p36.31.
Variant type: single nucleotide variant.
Coding change: c.3461A>G on transcript NM_015102.5 (MANE Select); coding-DNA position 3461, A replaced by G.
Protein change: p.His1154Arg; replaces histidine 1154 with arginine.
Molecular consequence: missense variant. On other transcripts: non-coding transcript variant (1).
Genome position (GRCh38, 1-based): chr1:5,867,751, T>C on the plus strand (A>G on the coding strand, the complement: NPHP4 is on the minus strand). VCF-style: chr1-5867751-T-C. GRCh37 (hg19) VCF-style: chr1-5927811-T-C.
Other names: c.1922A>G, p.His641Arg (NM_001291593.2); c.1925A>G, p.His642Arg (NM_001291594.2); short protein forms H1154R, H641R, H642R.
Identifiers: ClinVar variation 2732167 (VCV002732167.4), dbSNP rs1641398722, ClinGen allele CA338051945.

ClinVar aggregate classification (germline): Uncertain significance. Review status: criteria provided, multiple submitters, no conflicts (2 of 4 stars). 2 submissions from 2 submitters: Uncertain significance (2). Last evaluated 2025-01-29.

Conditions:
Nephronophthisis. Also called: Juvenile Nephronophthisis. Identifiers: Orphanet 655, MedGen C0687120, MONDO:0019005, HP:0000090.

Allele frequency attached by ClinVar (database versions not stated): gnomAD exomes below 0.00001; gnomAD 0.00001.
gnomAD v4.1: 3 of 1,610,058 alleles (0.00019%); highest among the groups gnomAD compares: African/African-American, 0.0027%; no homozygotes.

Submissions (2):

Labcorp Genetics (formerly Invitae), Labcorp
Classification: Uncertain significance for Nephronophthisis. Last evaluated: 2025-01-29. Review status: criteria provided, single submitter. Criteria: Invitae Variant Classification Sherloc (09022015). Collection method: clinical testing. Allele origin: germline.
Comment: This sequence change replaces histidine, which is basic and polar, with arginine, which is basic and polar, at codon 1154 of the NPHP4 protein (p.His1154Arg). This variant is not present in population databases (gnomAD no frequency). This variant has not been reported in the literature in individuals affected with NPHP4-related conditions. ClinVar contains an entry for this variant (Variation ID: 2732167). Invitae Evidence Modeling of protein sequence and biophysical properties (such as structural, functional, and spatial information, amino acid conservation, physicochemical variation, residue mobility, and thermodynamic stability) indicates that this missense variant is not expected to disrupt NPHP4 protein function with a negative predictive value of 80%. In summary, the available evidence is currently insufficient to determine the role of this variant in disease. Therefore, it has been classified as a Variant of Uncertain Significance.

Blueprint Genetics
Classification: Uncertain significance. Last evaluated: 2020-04-20. Review status: criteria provided, single submitter. Criteria: ACMG Guidelines, 2015. Collection method: clinical testing. Allele origin: germline.